The following is an entry in ClinVar:

NM_139058.3(ARX):c.1135C>A (p.Arg379Ser)

Gene: ARX (aristaless related homeobox; minus strand). Cytogenetic location: Xp21.3.
Variant type: single nucleotide variant.
Coding change: c.1135C>A on transcript NM_139058.3 (MANE Select); coding-DNA position 1135, C replaced by A.
Protein change: p.Arg379Ser; replaces arginine 379 with serine.
Molecular consequence: missense variant.
Genome position (GRCh38, 1-based): chrX:25,007,424, G>T on the plus strand (C>A on the coding strand, the complement: ARX is on the minus strand). VCF-style: chrX-25007424-G-T. GRCh37 (hg19) VCF-style: chrX-25025541-G-T.
Other names: short protein forms R379S.
Identifiers: ClinVar variation 1516380 (VCV001516380.6), dbSNP rs1556049714, ClinGen allele CA412611656.
Genomic context (GRCh38, chrX:25,007,424, plus strand): 5'-GCAGCCCAGGGGGGTGGGTCTGCGCGCCTGCCTTCTCCCGCTTGCGCCACTTGGCCCGAC[G>T]GTTCTGGAACCAGACCTGCAAGGCAGAGAGAGCCCAGGGTCGGCGCGGCTCGGCCCGGCG-3'
Protein context (NP_620689.1, residues 369-389): EARVQVWFQN[Arg379Ser]RAKWRKREKA

ClinVar aggregate classification (germline): Likely pathogenic (1 of 4 stars; one submission).

Conditions:
Developmental and epileptic encephalopathy, 1 (DEE1). Also called: OHTAHARA SYNDROME, X-LINKED; INFANTILE SPASM SYNDROME, X-LINKED 1; X-linked infantile spasms; West's syndrome; Tonic spasms with clustering, arrest of psychomotor development and hypsarrhythmia on EEG; X-Linked Infantile Spasm Syndrome. Identifiers: MedGen C3463992, MONDO:0010632, OMIM 308350. Disease mechanism: loss of function.
Intellectual disability, X-linked, with or without seizures, ARX-related. Also called: INTELLECTUAL DEVELOPMENTAL DISORDER, X-LINKED 29; MENTAL RETARDATION, X-LINKED 29; MENTAL RETARDATION, X-LINKED 32; MENTAL RETARDATION, X-LINKED 33; MENTAL RETARDATION, X-LINKED 38; MENTAL RETARDATION, X-LINKED 43. Identifiers: Orphanet 777, MedGen C0796244, MONDO:0010317, OMIM 300419.

Submission:

Labcorp Genetics (formerly Invitae), Labcorp
Classification: Likely pathogenic for Developmental and epileptic encephalopathy, 1; Intellectual disability, X-linked, with or without seizures, ARX-related. Last evaluated: 2023-03-20. Review status: criteria provided, single submitter. Criteria: Invitae Variant Classification Sherloc (09022015). Collection method: clinical testing. Allele origin: germline.
Comment: In summary, the currently available evidence indicates that the variant is pathogenic, but additional data are needed to prove that conclusively. Therefore, this variant has been classified as Likely Pathogenic. This variant disrupts the p.Arg379 amino acid residue in ARX. Other variant(s) that disrupt this residue have been determined to be pathogenic (PMID: 20148114, 29152528). This suggests that this residue is clinically significant, and that variants that disrupt this residue are likely to be disease-causing. Experimental studies have shown that this missense change affects ARX function (PMID: 20148114, 31691806). Advanced modeling of protein sequence and biophysical properties (such as structural, functional, and spatial information, amino acid conservation, physicochemical variation, residue mobility, and thermodynamic stability) performed at Invitae indicates that this missense variant is expected to disrupt ARX protein function. ClinVar contains an entry for this variant (Variation ID: 1516380). This missense change has been observed in individual(s) with infantile spasms and intellectual disability (PMID: 19439424, 20148114, 32383243). This variant is not present in population databases (gnomAD no frequency). This sequence change replaces arginine, which is basic and polar, with serine, which is neutral and polar, at codon 379 of the ARX protein (p.Arg379Ser).

Literature cited by the submitters: PubMed 20148114; PubMed 29152528; PubMed 31691806; PubMed 19439424; PubMed 32383243.